The following is an entry in ClinVar:

ClinVar aggregate classification (germline): Likely benign (1 of 4 stars; one submission).

gnomAD v4.1: 66 of 1,611,606 alleles (0.0041%); highest among the groups gnomAD compares: South Asian, 0.0099%; no homozygotes.

Submission:

CeGaT Center for Human Genetics Tuebingen
Classification: Likely benign. Last evaluated: 2026-07-01. Review status: criteria provided, single submitter. Criteria: CeGaT Center For Human Genetics Tuebingen Variant Classification Criteria Version 2. Collection method: clinical testing. Allele origin: germline. Affected: yes. Observed: 1 variant allele.
Comment: DAGLA: BP4, BP7

NM_006133.3(DAGLA):c.3018G>A (p.Thr1006=)

Gene: DAGLA (diacylglycerol lipase alpha; plus strand). Cytogenetic location: 11q12.2.
Variant type: single nucleotide variant.
Coding change: c.3018G>A on transcript NM_006133.3 (MANE Select); coding-DNA position 3018, G replaced by A.
Protein change: p.Thr1006=; no amino-acid change (threonine 1006 retained).
Molecular consequence: synonymous variant.
Genome position (GRCh38, 1-based): chr11:61,744,378, G>A. VCF-style: chr11-61744378-G-A. GRCh37 (hg19) VCF-style: chr11-61511850-G-A.
Identifiers: ClinVar variation 5038924 (VCV005038924.1).